The following is an entry in ClinVar:

NM_001282531.3(ADNP):c.1212G>C (p.Ser404=)

Gene: ADNP (activity dependent neuroprotector homeobox; minus strand). Cytogenetic location: 20q13.13.
Variant type: single nucleotide variant.
Coding change: c.1212G>C on transcript NM_001282531.3 (MANE Select); coding-DNA position 1212, G replaced by C.
Protein change: p.Ser404=; no amino-acid change (serine 404 retained).
Molecular consequence: synonymous variant.
Genome position (GRCh38, 1-based): chr20:50,893,502, C>G on the plus strand (G>C on the coding strand, the complement: ADNP is on the minus strand). VCF-style: chr20-50893502-C-G. GRCh37 (hg19) VCF-style: chr20-49510039-C-G.
Other names: c.1212G>C, p.Ser404= (NM_001282532.2, NM_001347511.2, NM_015339.5 and 1 more transcripts); c.1212G>C (NM_001282531.2).
Identifiers: ClinVar variation 588523 (VCV000588523.40), dbSNP rs139951165, ClinGen allele CA9908752.

ClinVar aggregate classification (germline): Benign/Likely benign. Review status: criteria provided, multiple submitters, no conflicts (2 of 4 stars). 7 submissions from 7 submitters: Benign (2); Likely benign (4). 1 of the submissions does not count toward it. Last evaluated 2026-07-01.

Conditions:
ADNP-related multiple congenital anomalies - intellectual disability - autism spectrum disorder. Also called: Helsmoortel-Van der Aa Syndrome; ADNP-Related Helsmoortel-Van der Aa Syndrome. Identifiers: Orphanet 404448, MedGen C4014538, MONDO:0014379, OMIM 615873. Disease mechanism: loss of function.
Inborn genetic diseases. Identifiers: MedGen C0950123, MeSH D030342.
ADNP-related disorder. Also called: ADNP-related condition.

Allele frequency attached by ClinVar (database versions not stated): 1000 Genomes Project 0.00020; TOPMed 0.00020; ESP Exome Variant Server 0.00008; 1000 Genomes Project 30x 0.00016; gnomAD 0.00016.
gnomAD v4.1: 453 of 1,613,740 alleles (0.028%); highest among the groups gnomAD compares: Admixed American, 0.045%; no homozygotes.

Submissions (7):

CeGaT Center for Human Genetics Tuebingen
Classification: Likely benign. Last evaluated: 2026-07-01. Review status: criteria provided, single submitter. Criteria: CeGaT Center For Human Genetics Tuebingen Variant Classification Criteria Version 2. Collection method: clinical testing. Allele origin: germline. Affected: yes. Observed: 6 variant alleles.
Comment: ADNP: BP4, BP7

Labcorp Genetics (formerly Invitae), Labcorp
Classification: Likely benign. Last evaluated: 2026-01-17. Review status: criteria provided, single submitter. Criteria: Invitae Variant Classification Sherloc (09022015). Collection method: clinical testing. Allele origin: germline.

Blueprint Genetics
Classification: Likely benign. Last evaluated: 2024-10-31. Review status: criteria provided, single submitter. Criteria: ACMG Guidelines, 2015. Collection method: clinical testing. Allele origin: germline.

Genome-Nilou Lab
Classification: Benign for ADNP-related multiple congenital anomalies - intellectual disability - autism spectrum disorder. Last evaluated: 2021-12-05. Review status: criteria provided, single submitter. Criteria: ACMG Guidelines, 2015. Collection method: clinical testing. Allele origin: germline. Affected: no.

GeneDx
Classification: Benign. Last evaluated: 2021-04-12. Review status: criteria provided, single submitter. Criteria: GeneDx Variant Classification Process June 2021. Collection method: clinical testing. Allele origin: germline. Affected: yes.

Ambry Genetics
Classification: Likely benign for Inborn genetic diseases. Last evaluated: 2016-11-08. Review status: criteria provided, single submitter. Criteria: Ambry Variant Classification Scheme 2023. Collection method: clinical testing. Allele origin: germline.

PreventionGenetics, part of Exact Sciences
Classification: Likely benign for ADNP-related condition. Last evaluated: 2024-05-30. Review status: no assertion criteria provided. Collection method: clinical testing. Allele origin: germline. Not counted in ClinVar's aggregate classification.
Comment: This variant is classified as likely benign based on ACMG/AMP sequence variant interpretation guidelines (Richards et al. 2015 PMID: 25741868, with internal and published modifications).